The following is an entry in ClinVar:

NM_002834.5(PTPN11):c.1468G>A (p.Val490Ile)

Gene: PTPN11 (protein tyrosine phosphatase non-receptor type 11; plus strand). Cytogenetic location: 12q24.13.
Variant type: single nucleotide variant.
Coding change: c.1468G>A on transcript NM_002834.5 (MANE Select); coding-DNA position 1468, G replaced by A.
Protein change: p.Val490Ile; replaces valine 490 with isoleucine.
Molecular consequence: missense variant.
Genome position (GRCh38, 1-based): chr12:112,489,044, G>A. VCF-style: chr12-112489044-G-A. GRCh37 (hg19) VCF-style: chr12-112926848-G-A.
Other names: c.1480G>A, p.Val494Ile (NM_001330437.2); c.1465G>A, p.Val489Ile (NM_001374625.1); short protein forms V490I, V494I, V489I.
Identifiers: ClinVar variation 561751 (VCV000561751.13), dbSNP rs781083623, ClinGen allele CA6798803.

ClinVar aggregate classification (germline): Uncertain significance. Review status: criteria provided, multiple submitters, no conflicts (2 of 4 stars). 4 submissions from 4 submitters: Uncertain significance (3). 1 of the submissions does not count toward it. Last evaluated 2024-03-16.

Conditions:
Cardiovascular phenotype. Identifiers: MedGen CN230736.
RASopathy. Also called: rasopathies; Noonan spectrum disorder. Identifiers: Orphanet 536391, MedGen C5555857, MONDO:0021060.
Noonan syndrome (NS). Also called: Noonan's syndrome. Identifiers: Orphanet 648, MedGen C0028326, MeSH D009634, MONDO:0018997. Disease mechanism: gain of function.

Allele frequency attached by ClinVar (database versions not stated): TOPMed 0.00001; ExAC 0.00002; gnomAD exomes 0.00002 and 0.00001; 1000 Genomes Project 30x 0.00016; gnomAD 0.00001.
gnomAD v4.1: 16 of 1,613,832 alleles (0.00099%); highest among the groups gnomAD compares: South Asian, 0.0044%; no homozygotes.

Submissions (4):

Labcorp Genetics (formerly Invitae), Labcorp
Classification: Uncertain significance for RASopathy. Last evaluated: 2024-03-16. Review status: criteria provided, single submitter. Criteria: Invitae Variant Classification Sherloc (09022015). Collection method: clinical testing. Allele origin: germline.
Comment: This sequence change replaces valine, which is neutral and non-polar, with isoleucine, which is neutral and non-polar, at codon 490 of the PTPN11 protein (p.Val490Ile). This variant is present in population databases (rs781083623, gnomAD 0.006%). This variant has not been reported in the literature in individuals affected with PTPN11-related conditions. ClinVar contains an entry for this variant (Variation ID: 561751). Advanced modeling of protein sequence and biophysical properties (such as structural, functional, and spatial information, amino acid conservation, physicochemical variation, residue mobility, and thermodynamic stability) performed at Invitae indicates that this missense variant is not expected to disrupt PTPN11 protein function with a negative predictive value of 95%. In summary, the available evidence is currently insufficient to determine the role of this variant in disease. Therefore, it has been classified as a Variant of Uncertain Significance.

GeneDx
Classification: Uncertain significance. Last evaluated: 2023-09-25. Review status: criteria provided, single submitter. Criteria: GeneDx Variant Classification Process June 2021. Collection method: clinical testing. Allele origin: germline. Affected: yes.
Comment: Missense variants in this gene are often considered pathogenic (HGMD); In silico analysis supports that this missense variant does not alter protein structure/function; Has not been previously published as pathogenic or benign to our knowledge; This variant is associated with the following publications: (PMID: 26053092, 29493581)

Ambry Genetics
Classification: Uncertain significance for Cardiovascular phenotype. Last evaluated: 2019-04-08. Review status: criteria provided, single submitter. Criteria: Ambry Variant Classification Scheme 2023. Collection method: clinical testing. Allele origin: germline.
Comment: The p.V490I variant (also known as c.1468G>A), located in coding exon 13 of the PTPN11 gene, results from a G to A substitution at nucleotide position 1468. The valine at codon 490 is replaced by isoleucine, an amino acid with highly similar properties. This amino acid position is highly conserved in available vertebrate species. In addition, this alteration is predicted to be tolerated by in silico analysis. Since supporting evidence is limited at this time, the clinical significance of this alteration remains unclear.

Service de Génétique Moléculaire, Hôpital Robert Debré
Classification: Uncertain significance for Noonan syndrome. Review status: no assertion criteria provided. Collection method: clinical testing. Allele origin: unknown. Affected: yes. Not counted in ClinVar's aggregate classification.